The following is an entry in ClinVar:

NM_001256545.2(MEGF10):c.2495G>C (p.Gly832Ala)

Gene: MEGF10 (multiple EGF like domains 10; plus strand). Cytogenetic location: 5q23.2.
Variant type: single nucleotide variant.
Coding change: c.2495G>C on transcript NM_001256545.2 (MANE Select); coding-DNA position 2495, G replaced by C.
Protein change: p.Gly832Ala; replaces glycine 832 with alanine.
Molecular consequence: missense variant.
Genome position (GRCh38, 1-based): chr5:127,445,460, G>C. VCF-style: chr5-127445460-G-C. GRCh37 (hg19) VCF-style: chr5-126781152-G-C.
Other names: c.2495G>C, p.Gly832Ala (NM_032446.3); short protein forms G832A.
Identifiers: ClinVar variation 1004207 (VCV001004207.9), dbSNP rs1765907936, ClinGen allele CA360734528.
Genomic context (GRCh38, chr5:127,445,460, plus strand): 5'-ATCAAACGTTTATCCAGCACATTGTCATCCTTTCTCAAGTCTCTCTTCTTTTTCTAGCTG[G>C]TGTTATCATAGTTGGAAATCTGAACAGCTTAAGCCGAACCAGTACTGCTCTCCCTGCTGA-3'
Protein context (NP_001243474.1, residues 822-842): GWKGARCDQA[Gly832Ala]VIIVGNLNSL

ClinVar aggregate classification (germline): Uncertain significance (1 of 4 stars; one submission).

Conditions:
MEGF10-related myopathy (CMYO10A). Also called: Congenital myopathy 10A, severe variant. Identifiers: Orphanet 439212, MedGen C3280679, MONDO:0013731, OMIM 614399.

Submission:

Labcorp Genetics (formerly Invitae), Labcorp
Classification: Uncertain significance for MEGF10-related myopathy. Last evaluated: 2020-09-09. Review status: criteria provided, single submitter. Criteria: Invitae Variant Classification Sherloc (09022015). Collection method: clinical testing. Allele origin: germline.
Comment: This sequence change replaces glycine with alanine at codon 832 of the MEGF10 protein (p.Gly832Ala). The glycine residue is highly conserved and there is a small physicochemical difference between glycine and alanine. This variant is not present in population databases (ExAC no frequency). This variant has not been reported in the literature in individuals with MEGF10-related conditions. Algorithms developed to predict the effect of missense changes on protein structure and function are either unavailable or do not agree on the potential impact of this missense change (SIFT: "Deleterious"; PolyPhen-2: "Benign"; Align-GVGD: "Class C0"). In summary, the available evidence is currently insufficient to determine the role of this variant in disease. Therefore, it has been classified as a Variant of Uncertain Significance.